The following is an entry in ClinVar:

ClinVar aggregate classification (germline): Conflicting classifications of pathogenicity. Review status: criteria provided, conflicting classifications (1 of 4 stars). 19 submissions from 15 submitters: Uncertain significance (4); Benign (4); Likely benign (10). 1 of the submissions does not count toward it. Last evaluated 2026-06-01.

Conditions:
TTN-related disorder. Also called: TTN-related condition; TTN-related disease; TTN-related disorders.
Abnormality of neuronal migration. Identifiers: MedGen C1837249, HP:0002269.
Dilated cardiomyopathy 1G (CMD1G). Identifiers: Orphanet 154, MedGen C1858763, MONDO:0011400, OMIM 604145.
Autosomal recessive limb-girdle muscular dystrophy type 2J (LGMDR10). Also called: Limb-girdle muscular dystrophy, type 2J; MUSCULAR DYSTROPHY, LIMB-GIRDLE, AUTOSOMAL RECESSIVE 10. Identifiers: Orphanet 140922, MedGen C1837342, MONDO:0012127, OMIM 608807.
Cardiomyopathy (CMYO). Also called: Cardiomyopathies. Identifiers: Orphanet 167848, MedGen C0878544, MONDO:0004994, HP:0001638. Inheritance: Various modes of inheritance.
Early-onset myopathy with fatal cardiomyopathy (CMYO5). Also called: Salih Myopathy; CONGENITAL MYOPATHY 5 WITH CARDIOMYOPATHY. Identifiers: Orphanet 289377, MedGen C2673677, MONDO:0012714, OMIM 611705. Disease mechanism: loss of function.
Myopathy, myofibrillar, 9, with early respiratory failure (MFM9). Also called: Hereditary myopathy with early respiratory failure; Myopathy, distal, with early respiratory failure, autosomal dominant; EDSTROM MYOPATHY; MYOPATHY, PROXIMAL, WITH EARLY RESPIRATORY MUSCLE INVOLVEMENT. Identifiers: Orphanet 178464, Orphanet 34521, MedGen C1863599, MONDO:0011362, OMIM 603689.
Tibial muscular dystrophy (TMD). Also called: Udd Distal Myopathy – Tibial Muscular Dystrophy; Tibial muscular dystrophy, tardive; UDD MYOPATHY. Identifiers: Orphanet 609, MedGen C1838244, MONDO:0010870, OMIM 600334.
Hypertrophic cardiomyopathy. Also called: HYPERTROPHIC MYOCARDIOPATHY. Identifiers: Orphanet 217569, MedGen C0007194, MeSH D002312, MONDO:0005045, HP:0001639.

Allele frequency attached by ClinVar (database versions not stated): ESP Exome Variant Server 0.00017; TOPMed 0.00056; 1000 Genomes Project 30x 0.00078; gnomAD 0.00088 and 0.00104; ExAC 0.00096; 1000 Genomes Project 0.00100; gnomAD exomes 0.00113.
gnomAD v4.1: 1,009 of 1,547,046 alleles (0.065%); highest among the groups gnomAD compares: East Asian, 0.47%; 2 homozygotes.

Submissions (19):

CeGaT Center for Human Genetics Tuebingen
Classification: Likely benign. Last evaluated: 2026-06-01. Review status: criteria provided, single submitter. Criteria: CeGaT Center For Human Genetics Tuebingen Variant Classification Criteria Version 2. Collection method: clinical testing. Allele origin: germline. Affected: yes. Observed: 9 variant alleles.
Comment: TTN: BP4

Labcorp Genetics (formerly Invitae), Labcorp
Classification: Benign for Dilated cardiomyopathy 1G; Autosomal recessive limb-girdle muscular dystrophy type 2J. Last evaluated: 2026-01-26. Review status: criteria provided, single submitter. Criteria: Invitae Variant Classification Sherloc (09022015). Collection method: clinical testing. Allele origin: germline.

Mayo Clinic Laboratories, Mayo Clinic
Classification: Likely benign. Last evaluated: 2025-10-03. Review status: criteria provided, single submitter. Criteria: ACMG Guidelines, 2015. Collection method: clinical testing. Allele origin: germline. Observed: 3 variant alleles.
Comment: BS1, BP4

PreventionGenetics, part of Exact Sciences
Classification: Likely benign for TTN-related condition. Last evaluated: 2025-06-23. Review status: criteria provided, single submitter. Criteria: ACMG Guidelines, 2015. Collection method: clinical testing. Allele origin: germline.
Comment: This variant is classified as likely benign based on ACMG/AMP sequence variant interpretation guidelines (Richards et al. 2015 PMID: 25741868, with internal and published modifications).

Molecular Diagnostic Laboratory for Inherited Cardiovascular Disease, Montreal Heart Institute
Classification: Likely benign. Last evaluated: 2025-04-09. Review status: criteria provided, single submitter. Criteria: ACMG Guidelines, 2015. Collection method: clinical testing. Allele origin: germline. Affected: no.

Blueprint Genetics
Classification: Likely benign. Last evaluated: 2024-11-26. Review status: criteria provided, single submitter. Criteria: ACMG Guidelines, 2015. Collection method: clinical testing. Allele origin: germline.

Women's Health and Genetics/Laboratory Corporation of America, LabCorp
Classification: Likely benign. Last evaluated: 2021-10-09. Review status: criteria provided, single submitter. Criteria: LabCorp Variant Classification Summary - May 2015. Collection method: clinical testing. Allele origin: germline.

CHEO Genetics Diagnostic Laboratory, Children's Hospital of Eastern Ontario
Classification: Benign for Cardiomyopathy. Last evaluated: 2021-09-09. Review status: criteria provided, single submitter. Criteria: ACMG Guidelines, 2015. Collection method: clinical testing. Allele origin: germline.

GeneDx
Classification: Likely benign. Last evaluated: 2021-05-13. Review status: criteria provided, single submitter. Criteria: GeneDx Variant Classification Process June 2021. Collection method: clinical testing. Allele origin: germline. Affected: yes.
Comment: This variant is associated with the following publications: (PMID: 32344918, 28818390)

ARUP Laboratories, Molecular Genetics and Genomics, ARUP Laboratories
Classification: Likely benign. Last evaluated: 2020-11-18. Review status: criteria provided, single submitter. Criteria: ARUP Molecular Germline Variant Investigation Process 2021. Collection method: clinical testing. Allele origin: germline.

Eurofins Ntd Llc (ga)
Classification: Likely benign. Last evaluated: 2018-08-24. Review status: criteria provided, single submitter. Criteria: EGL ClinVar v180209 classification definitions. Collection method: clinical testing. Allele origin: germline. Observed: 5 variant alleles, 4 heterozygotes.

Center for Advanced Laboratory Medicine, UC San Diego Health, University of California San Diego
Classification: Likely benign for Hypertrophic cardiomyopathy. Last evaluated: 2018-05-08. Review status: criteria provided, single submitter. Criteria: ACMG Guidelines, 2015. Collection method: clinical testing. Allele origin: germline. Affected: yes. Observed: 1 variant allele.

Illumina Laboratory Services, Illumina
Classification: Uncertain significance for Dilated cardiomyopathy 1G. Last evaluated: 2018-01-13. Review status: criteria provided, single submitter. Criteria: ICSL Variant Classification Criteria 13 December 2019. Collection method: clinical testing. Allele origin: germline.

Illumina Laboratory Services, Illumina
Classification: Benign for Myopathy, myofibrillar, 9, with early respiratory failure. Last evaluated: 2018-01-13. Review status: criteria provided, single submitter. Criteria: ICSL Variant Classification Criteria 13 December 2019. Collection method: clinical testing. Allele origin: germline.
Comment: This variant was observed in the ICSL laboratory as part of a predisposition screen in an ostensibly healthy population. It had not been previously curated by ICSL or reported in the Human Gene Mutation Database (HGMD: prior to June 1st, 2018), and was therefore a candidate for classification through an automated scoring system. Utilizing variant allele frequency, disease prevalence and penetrance estimates, and inheritance mode, an automated score was calculated to assess if this variant is too frequent to cause the disease. Based on the score and internal cut-off values, a variant classified as benign is not then subjected to further curation. The score for this variant resulted in a classification of benign for this disease.

Illumina Laboratory Services, Illumina
Classification: Uncertain significance for Autosomal recessive limb-girdle muscular dystrophy type 2J. Last evaluated: 2018-01-13. Review status: criteria provided, single submitter. Criteria: ICSL Variant Classification Criteria 13 December 2019. Collection method: clinical testing. Allele origin: germline.

Illumina Laboratory Services, Illumina
Classification: Benign for Tibial muscular dystrophy. Last evaluated: 2018-01-13. Review status: criteria provided, single submitter. Criteria: ICSL Variant Classification Criteria 13 December 2019. Collection method: clinical testing. Allele origin: germline.
Comment: the same text as in the submission from Illumina Laboratory Services, Illumina above.

Illumina Laboratory Services, Illumina
Classification: Uncertain significance for Early-onset myopathy with fatal cardiomyopathy. Last evaluated: 2018-01-13. Review status: criteria provided, single submitter. Criteria: ICSL Variant Classification Criteria 13 December 2019. Collection method: clinical testing. Allele origin: germline.

Laboratory for Molecular Medicine, Mass General Brigham Personalized Medicine
Classification: Uncertain significance. Last evaluated: 2015-05-26. Review status: criteria provided, single submitter. Criteria: LMM Criteria. Collection method: clinical testing. Allele origin: germline. Observed: 3 variant alleles.
Comment: Variant classified as Uncertain Significance - Favor Benign. It has also been identified in 0.5% (4/680) of East Asian chromosom es and 0.1% (9/7916) of South Asian chromosomes by the Exome Aggregation Consort ium (ExAC; dbSNP rs146400809). Computational pre diction tools and conservation analysis do not provide strong support for or aga inst an impact to the protein. In summary, while the clinical significance of th e p.Pro9577Leu variant is uncertain, its frequency suggests that it is more like ly to be benign.

Génétique et pathophysiologie de maladies neurodéveloppementales et épileptogènes, Institut de génétique et de biologie moléculaire et cellulaire
Classification: Benign for Malformation of Cortical Development. Last evaluated: 2014-10-31. Review status: no assertion criteria provided. Collection method: clinical testing. Allele origin: paternal. Affected: yes. Observed: 2 variant alleles, 1 heterozygote, 1 compound heterozygote. Not counted in ClinVar's aggregate classification.

Literature cited by the submitters: PubMed 28018021 (cited by Mayo Clinic Laboratories, Mayo Clinic); PubMed 28818390 (cited by Mayo Clinic Laboratories, Mayo Clinic); PubMed 32344918 (cited by Mayo Clinic Laboratories, Mayo Clinic).

NM_001267550.2(TTN):c.32462C>T (p.Pro10821Leu)

Genes: TTN (titin; minus strand), TTN-AS1 (TTN antisense RNA 1; plus strand). Cytogenetic location: 2q31.2.
Variant type: single nucleotide variant.
Coding change: c.32462C>T on transcript NM_001267550.2 (MANE Select); coding-DNA position 32462, C replaced by T.
Protein change: p.Pro10821Leu; replaces proline 10821 with leucine.
Molecular consequence: missense variant. On other transcripts: intron variant (3).
Genome position (GRCh38, 1-based): chr2:178,685,261, G>A on the plus strand (C>T on the coding strand, the complement: TTN is on the minus strand). VCF-style: chr2-178685261-G-A. GRCh37 (hg19) VCF-style: chr2-179549988-G-A.
Other names: p.P10504L:CCG>CTG; c.31511C>T, p.Pro10504Leu (NM_001256850.1); c.28730C>T, p.Pro9577Leu (NM_133378.4); c.13283-42944C>T (NM_003319.4); c.13859-42944C>T (NM_133437.4); c.13658-42944C>T (NM_133432.3); short protein forms P10821L, P9577L, P10504L.
Identifiers: ClinVar variation 46867 (VCV000046867.66), dbSNP rs146400809, ClinGen allele CA139385.
Genomic context (GRCh38, chr2:178,685,261, plus strand): 5'-TATTATATACATTAAAATAAATAGTGTTGCATTTCTTTGAAAGAAATCATACCTTTAGCC[G>A]GTGGAGGCTCCTCTATTTTAGCAGGAATTTTTGGTTTCAGTACAATTTTCTTCTCCTGCC-3'
Protein context (NP_001254479.2, residues 10811-10831): KIPAKIEEPP[Pro10821Leu]AKVPEAPKKI